The following is an entry in ClinVar:

ClinVar aggregate classification (germline): Uncertain significance (1 of 4 stars; one submission).

Conditions:
Inborn genetic diseases. Identifiers: MedGen C0950123, MeSH D030342.

Submission:

Ambry Genetics
Classification: Uncertain significance for Inborn genetic diseases. Last evaluated: 2025-08-25. Review status: criteria provided, single submitter. Criteria: Ambry Variant Classification Scheme 2023. Collection method: clinical testing. Allele origin: germline.
Comment: The p.L566V variant (also known as c.1696C>G), located in coding exon 10 of the RECQL4 gene, results from a C to G substitution at nucleotide position 1696. The leucine at codon 566 is replaced by valine, an amino acid with highly similar properties. This amino acid position is conserved. In addition, this alteration is predicted to be tolerated by in silico analysis. Based on the available evidence, the clinical significance of this variant remains unclear.

NM_004260.4(RECQL4):c.1696C>G (p.Leu566Val)

Gene: RECQL4 (RecQ like helicase 4; minus strand). Cytogenetic location: 8q24.3.
Variant type: single nucleotide variant.
Coding change: c.1696C>G on transcript NM_004260.4 (MANE Select); coding-DNA position 1696, C replaced by G.
Protein change: p.Leu566Val; replaces leucine 566 with valine.
Molecular consequence: missense variant. On other transcripts: non-coding transcript variant (3).
Genome position (GRCh38, 1-based): chr8:144,514,450, G>C on the plus strand (C>G on the coding strand, the complement: RECQL4 is on the minus strand). VCF-style: chr8-144514450-G-C. GRCh37 (hg19) VCF-style: chr8-145739834-G-C.
Other names: c.1600C>G, p.Leu534Val (NM_001413017.1, NM_001413020.1); c.1696C>G, p.Leu566Val (NM_001413018.1, NM_001413019.1, NM_001413033.1 and 1 more transcripts); c.625C>G, p.Leu209Val (NM_001413021.1, NM_001413022.1, NM_001413023.1 and 7 more transcripts); c.1567C>G, p.Leu523Val (NM_001413025.1); c.559C>G, p.Leu187Val (NM_001413027.1, NM_001413030.1, NM_001413031.1 and 2 more transcripts); c.1345C>G, p.Leu449Val (NM_001413029.1); c.1666C>G, p.Leu556Val (NM_001413039.1); c.595C>G, p.Leu199Val (NM_001413042.1); and 1 more; short protein forms L209V, L556V, L566V, L199V, L77V, L449V, L187V, L523V.
Identifiers: ClinVar variation 4152430 (VCV004152430.1).